The following is an entry in ClinVar:

ClinVar aggregate classification (germline): Pathogenic (1 of 4 stars; one submission).

Submission:

CeGaT Center for Human Genetics Tuebingen
Classification: Pathogenic. Last evaluated: 2026-07-01. Review status: criteria provided, single submitter. Criteria: CeGaT Center For Human Genetics Tuebingen Variant Classification Criteria Version 2. Collection method: clinical testing. Allele origin: germline. Affected: yes. Observed: 1 variant allele.
Comment: RAI1: PVS1, PM2

NM_030665.4(RAI1):c.2798del (p.Gly933fs)

Gene: RAI1 (retinoic acid induced 1; plus strand). Cytogenetic location: 17p11.2.
Variant type: Deletion.
Coding change: c.2798del on transcript NM_030665.4 (MANE Select); coding-DNA position 2798, one base deleted (G; older notation c.2798delG).
Protein change: p.Gly933fs; shifts the reading frame from glycine 933.
Molecular consequence: frameshift variant.
Genome position (GRCh38, 1-based): chr17:17,795,746, G deleted; the last of 3 consecutive G bases (chr17:17,795,744-17,795,746); deleting any one gives the same sequence. VCF-style (leftmost placement, unchanged base first): chr17-17795743-TG-T. GRCh37 (hg19) VCF-style: chr17-17699057-TG-T.
Other names: short protein forms G933fs.
Identifiers: ClinVar variation 5040334 (VCV005040334.1).